The following is an entry in ClinVar:

ClinVar aggregate classification (germline): Uncertain significance (1 of 4 stars; one submission).

gnomAD v4.1: 3 of 1,613,968 alleles (0.00019%); highest among the groups gnomAD compares: Non-Finnish European, 0.00025%; no homozygotes.

Submission:

Labcorp Genetics (formerly Invitae), Labcorp
Classification: Uncertain significance. Last evaluated: 2025-01-23. Review status: criteria provided, single submitter. Criteria: Invitae Variant Classification Sherloc (09022015). Collection method: clinical testing. Allele origin: germline.
Comment: This sequence change replaces arginine, which is basic and polar, with glycine, which is neutral and non-polar, at codon 389 of the NAF1 protein (p.Arg389Gly). This variant is not present in population databases (gnomAD no frequency). This variant has not been reported in the literature in individuals affected with NAF1-related conditions. An algorithm developed to predict the effect of missense changes on protein structure and function outputs the following: PolyPhen-2: "Possibly Damaging". The glycine amino acid residue is found in multiple mammalian species, which suggests that this missense change does not adversely affect protein function. In summary, the available evidence is currently insufficient to determine the role of this variant in disease. Therefore, it has been classified as a Variant of Uncertain Significance.

NM_138386.3(NAF1):c.1165A>G (p.Arg389Gly)

Gene: NAF1 (nuclear assembly factor 1 ribonucleoprotein; minus strand). Cytogenetic location: 4q32.2.
Variant type: single nucleotide variant.
Coding change: c.1165A>G on transcript NM_138386.3 (MANE Select); coding-DNA position 1165, A replaced by G.
Protein change: p.Arg389Gly; replaces arginine 389 with glycine.
Molecular consequence: missense variant. On other transcripts: intron variant (1).
Genome position (GRCh38, 1-based): chr4:163,129,217, T>C on the plus strand (A>G on the coding strand, the complement: NAF1 is on the minus strand). VCF-style: chr4-163129217-T-C. GRCh37 (hg19) VCF-style: chr4-164050369-T-C.
Other names: c.1034-2102A>G (NM_001128931.2); short protein forms R389G.
Identifiers: ClinVar variation 4702315 (VCV004702315.1).